The following is an entry in ClinVar:

NM_173598.6(KSR2):c.769G>A (p.Ala257Thr)

Gene: KSR2 (kinase suppressor of ras 2; minus strand). Cytogenetic location: 12q24.23.
Variant type: single nucleotide variant.
Coding change: c.769G>A on transcript NM_173598.6 (MANE Select); coding-DNA position 769, G replaced by A.
Protein change: p.Ala257Thr; replaces alanine 257 with threonine.
Molecular consequence: missense variant.
Genome position (GRCh38, 1-based): chr12:117,761,228, C>T on the plus strand (G>A on the coding strand, the complement: KSR2 is on the minus strand). VCF-style: chr12-117761228-C-T. GRCh37 (hg19) VCF-style: chr12-118199033-C-T.
Other names: short protein forms A257T.
Identifiers: ClinVar variation 3351540 (VCV003351540.1).

ClinVar aggregate classification (germline): Uncertain significance (0 of 4 stars; one submission).

Conditions:
KSR2-related disorder. Also called: KSR2-related condition.

Submission:

PreventionGenetics, part of Exact Sciences
Classification: Uncertain significance for KSR2-related condition. Last evaluated: 2024-05-12. Review status: no assertion criteria provided. Collection method: clinical testing. Allele origin: germline.
Comment: The KSR2 c.682G>A variant is predicted to result in the amino acid substitution p.Ala228Thr. To our knowledge, this variant has not been reported in the literature. This variant is reported in 0.0045% of alleles in individuals of African descent in gnomAD. At this time, the clinical significance of this variant is uncertain due to the absence of conclusive functional and genetic evidence.